The following is an entry in ClinVar:

NM_001395002.1(MAP4K4):c.608A>G (p.Asp203Gly)

Gene: MAP4K4 (mitogen-activated protein kinase kinase kinase kinase 4; plus strand). Cytogenetic location: 2q11.2.
Variant type: single nucleotide variant.
Coding change: c.608A>G on transcript NM_001395002.1 (MANE Select); coding-DNA position 608, A replaced by G.
Protein change: p.Asp203Gly; replaces aspartic acid 203 with glycine.
Molecular consequence: missense variant. On other transcripts: non-coding transcript variant (4).
Genome position (GRCh38, 1-based): chr2:101,831,820, A>G. VCF-style: chr2-101831820-A-G. GRCh37 (hg19) VCF-style: chr2-102448282-A-G.
Other names: c.608A>G, p.Asp203Gly (NM_001242559.2, NM_001242560.2, NM_001384476.1 and 28 more transcripts); c.581A>G, p.Asp194Gly (NM_001384549.1, NM_001384560.1, NM_001384561.1 and 16 more transcripts); short protein forms D194G, D203G.
Identifiers: ClinVar variation 4103555 (VCV004103555.1).

ClinVar aggregate classification (germline): Likely pathogenic (1 of 4 stars; one submission).

Conditions:
Inborn genetic diseases. Identifiers: MedGen C0950123, MeSH D030342.

Submission:

Ambry Genetics
Classification: Likely pathogenic for Inborn genetic diseases. Last evaluated: 2025-06-23. Review status: criteria provided, single submitter. Criteria: Ambry Variant Classification Scheme 2023. Collection method: clinical testing. Allele origin: germline.
Comment: The c.608A>G (p.D203G) alteration is located in exon 7 (coding exon 7) of the MAP4K4 gene. This alteration results from an A to G substitution at nucleotide position 608, causing the aspartic acid (D) at amino acid position 203 to be replaced by a glycine (G). This variant was not reported in population-based cohorts in the Genome Aggregation Database (gnomAD). This amino acid position is highly conserved in available vertebrate species. This missense alteration is located in a region that has a low rate of benign missense variation (Lek, 2016; Firth, 2009). This amino acid alteration is predicted to be deleterious by in silico analysis. In silico splice site analysis predicts that this nucleotide change will result in the creation or strengthening of a novel splice donor site. Based on the available evidence, this alteration is classified as likely pathogenic.